The following is an entry in ClinVar:

NM_001999.4(FBN2):c.7033A>G (p.Lys2345Glu)

Gene: FBN2 (fibrillin 2; minus strand). Cytogenetic location: 5q23.3.
Variant type: single nucleotide variant.
Coding change: c.7033A>G on transcript NM_001999.4 (MANE Select); coding-DNA position 7033, A replaced by G.
Protein change: p.Lys2345Glu; replaces lysine 2345 with glutamic acid.
Molecular consequence: missense variant.
Genome position (GRCh38, 1-based): chr5:128,280,297, T>C on the plus strand (A>G on the coding strand, the complement: FBN2 is on the minus strand). VCF-style: chr5-128280297-T-C. GRCh37 (hg19) VCF-style: chr5-127615989-T-C.
Other names: short protein forms K2345E.
Identifiers: ClinVar variation 953390 (VCV000953390.11), dbSNP rs1464960068, ClinGen allele CA360757782.

ClinVar aggregate classification (germline): Uncertain significance. Review status: criteria provided, multiple submitters, no conflicts (2 of 4 stars). 2 submissions from 2 submitters: Uncertain significance (2). Last evaluated 2026-07-21.

Conditions:
Familial thoracic aortic aneurysm and aortic dissection (TAAD). Also called: Thoracic aortic aneurysms and dissections. Identifiers: Orphanet 91387, MedGen C4707243, MONDO:0019625.
Congenital contractural arachnodactyly (CCA). Also called: BEALS SYNDROME; Arthrogryposis, distal, type 9; Beals-Hecht syndrome. Identifiers: Orphanet 115, MedGen C0220668, MONDO:0007363, OMIM 121050.

Allele frequency attached by ClinVar (database versions not stated): gnomAD exomes below 0.00001; TOPMed below 0.00001; gnomAD 0.00002.
gnomAD v4.1: 5 of 1,611,202 alleles (0.00031%); highest among the groups gnomAD compares: Admixed American, 0.0033%; no homozygotes.

Submissions (2):

Ambry Genetics
Classification: Uncertain significance for Familial thoracic aortic aneurysm and aortic dissection. Last evaluated: 2026-07-21. Review status: criteria provided, single submitter. Criteria: Ambry Variant Classification Scheme 2023. Collection method: clinical testing. Allele origin: germline.
Comment: The p.K2345E variant (also known as c.7033A>G), located in coding exon 56 of the FBN2 gene, results from an A to G substitution at nucleotide position 7033. The lysine at codon 2345 is replaced by glutamic acid, an amino acid with similar properties. This amino acid position is conserved. In addition, this alteration is predicted to be deleterious by in silico analysis. Based on the available evidence, the clinical significance of this variant remains unclear.

Labcorp Genetics (formerly Invitae), Labcorp
Classification: Uncertain significance for Congenital contractural arachnodactyly. Last evaluated: 2019-10-29. Review status: criteria provided, single submitter. Criteria: Invitae Variant Classification Sherloc (09022015). Collection method: clinical testing. Allele origin: germline.
Comment: This variant has not been reported in the literature in individuals with FBN2-related conditions. Algorithms developed to predict the effect of missense changes on protein structure and function (SIFT, PolyPhen-2, Align-GVGD) all suggest that this variant is likely to be disruptive, but these predictions have not been confirmed by published functional studies and their clinical significance is uncertain. In summary, the available evidence is currently insufficient to determine the role of this variant in disease. Therefore, it has been classified as a Variant of Uncertain Significance. This variant is not present in population databases (ExAC no frequency). This sequence change replaces lysine with glutamic acid at codon 2345 of the FBN2 protein (p.Lys2345Glu). The lysine residue is highly conserved and there is a small physicochemical difference between lysine and glutamic acid.